The following is an entry in ClinVar:

NM_020207.7(ERCC6L2):c.3022G>T (p.Glu1008Ter)

Gene: ERCC6L2 (ERCC excision repair 6 like 2; plus strand). Cytogenetic location: 9q22.32.
Variant type: single nucleotide variant.
Coding change: c.3022G>T on transcript NM_020207.7 (MANE Select); coding-DNA position 3022, G replaced by T.
Protein change: p.Glu1008Ter; replaces glutamic acid 1008 with a stop codon.
Molecular consequence: nonsense. On other transcripts: non-coding transcript variant (1).
Genome position (GRCh38, 1-based): chr9:95,972,773, G>T. VCF-style: chr9-95972773-G-T. GRCh37 (hg19) VCF-style: chr9-98735055-G-T.
Other names: c.3022G>T, p.Glu1008Ter (NM_001375291.1, NM_001375292.1, NM_001375293.1 and 1 more transcripts); short protein forms E1008*.
Identifiers: ClinVar variation 3674511 (VCV003674511.2).

ClinVar aggregate classification (germline): Pathogenic (1 of 4 stars; one submission).

gnomAD v4.1: 12 of 1,303,510 alleles (0.00092%); highest among the groups gnomAD compares: Non-Finnish European, 0.0012%; no homozygotes.

Submission:

Labcorp Genetics (formerly Invitae), Labcorp
Classification: Pathogenic. Last evaluated: 2024-06-09. Review status: criteria provided, single submitter. Criteria: Invitae Variant Classification Sherloc (09022015). Collection method: clinical testing. Allele origin: germline.
Comment: This sequence change creates a premature translational stop signal (p.Glu1019*) in the ERCC6L2 gene. It is expected to result in an absent or disrupted protein product. Loss-of-function variants in ERCC6L2 are known to be pathogenic (PMID: 24507776, 27185855, 29146883, 29987015). This variant is not present in population databases (gnomAD no frequency). This variant has not been reported in the literature in individuals affected with ERCC6L2-related conditions. For these reasons, this variant has been classified as Pathogenic.

Literature cited by the submitters: PubMed 24507776; PubMed 27185855; PubMed 29146883; PubMed 29987015.